The following is an entry in ClinVar:

ClinVar aggregate classification (germline): Likely benign. Review status: criteria provided, multiple submitters, no conflicts (2 of 4 stars). 2 submissions from 2 submitters: Likely benign (2). Last evaluated 2026-02-13.

Conditions:
Leber congenital amaurosis 3 (LCA3). Also called: SPATA7-Related Retinitis Pigmentosa. Identifiers: MedGen C1858677, MONDO:0011415, OMIM 604232.
SPATA7-related disorder. Also called: SPATA7-related condition; SPATA7-related disorders. Identifiers: MedGen CN239422.

Allele frequency attached by ClinVar (database versions not stated): gnomAD 0.00003; TOPMed 0.00003; gnomAD exomes 0.00004 and 0.00006; ExAC 0.00005.
gnomAD v4.1: 90 of 1,614,054 alleles (0.0056%); highest among the groups gnomAD compares: Non-Finnish European, 0.0074%; no homozygotes.

Submissions (2):

PreventionGenetics, part of Exact Sciences
Classification: Likely benign for SPATA7-related condition. Last evaluated: 2026-02-13. Review status: criteria provided, single submitter. Criteria: ACMG Guidelines, 2015. Collection method: clinical testing. Allele origin: germline.
Comment: This variant is classified as likely benign based on ACMG/AMP sequence variant interpretation guidelines (Richards et al. 2015 PMID: 25741868, with internal and published modifications).

Labcorp Genetics (formerly Invitae), Labcorp
Classification: Likely benign for Leber congenital amaurosis 3. Last evaluated: 2025-08-13. Review status: criteria provided, single submitter. Criteria: Invitae Variant Classification Sherloc (09022015). Collection method: clinical testing. Allele origin: germline.

NM_018418.5(SPATA7):c.534C>G (p.Ser178=)

Gene: SPATA7 (spermatogenesis associated 7; plus strand). Cytogenetic location: 14q31.3.
Variant type: single nucleotide variant.
Coding change: c.534C>G on transcript NM_018418.5 (MANE Select); coding-DNA position 534, C replaced by G.
Protein change: p.Ser178=; no amino-acid change (serine 178 retained).
Molecular consequence: synonymous variant.
Genome position (GRCh38, 1-based): chr14:88,426,393, C>G. VCF-style: chr14-88426393-C-G. GRCh37 (hg19) VCF-style: chr14-88892737-C-G.
Other names: c.438C>G, p.Ser146= (NM_001040428.4).
Identifiers: ClinVar variation 786774 (VCV000786774.11), dbSNP rs755523674, ClinGen allele CA7298545.